The following is an entry in ClinVar:

ClinVar aggregate classification (germline): Uncertain significance (1 of 4 stars; one submission).

gnomAD v4.1: 3 of 1,551,692 alleles (0.00019%); highest among the groups gnomAD compares: Admixed American, 0.002%; no homozygotes.

Submission:

Labcorp Genetics (formerly Invitae), Labcorp
Classification: Uncertain significance. Last evaluated: 2024-10-05. Review status: criteria provided, single submitter. Criteria: Invitae Variant Classification Sherloc (09022015). Collection method: clinical testing. Allele origin: germline.
Comment: This sequence change replaces aspartic acid, which is acidic and polar, with asparagine, which is neutral and polar, at codon 85 of the CLIC5 protein (p.Asp85Asn). This variant is present in population databases (no rsID available, gnomAD 0.008%). This variant has not been reported in the literature in individuals affected with CLIC5-related conditions. An algorithm developed to predict the effect of missense changes on protein structure and function (PolyPhen-2) suggests that this variant is likely to be tolerated. In summary, the available evidence is currently insufficient to determine the role of this variant in disease. Therefore, it has been classified as a Variant of Uncertain Significance.

NC_000006.12:g.46079990C>T

Gene: CLIC5 (CLIC family member 5; minus strand). Cytogenetic location: 6p21.1.
Variant type: single nucleotide variant.
Molecular consequence: missense variant (on NM_001114086.2). On other transcripts: intron variant (1).
Genome position: GRCh38 VCF-style: chr6-46079990-C-T. GRCh37 (hg19) VCF-style: chr6-46047727-C-T.
Other names: c.253G>A, p.Asp85Asn (NM_001114086.2, NM_001370650.1); c.-55+49514G>A (NM_001370649.1); short protein forms D85N.
Identifiers: ClinVar variation 3635281 (VCV003635281.2).